The following is an entry in ClinVar:

ClinVar aggregate classification (germline): Uncertain significance (1 of 4 stars; one submission).

gnomAD v4.1: 1 of 1,609,062 alleles (0.000062%); highest among the groups gnomAD compares: Middle Eastern, 0.017%; no homozygotes.

Submission:

Labcorp Genetics (formerly Invitae), Labcorp
Classification: Uncertain significance. Last evaluated: 2026-01-08. Review status: criteria provided, single submitter. Criteria: Invitae Variant Classification Sherloc (09022015). Collection method: clinical testing. Allele origin: germline.
Comment: This sequence change replaces isoleucine, which is neutral and non-polar, with threonine, which is neutral and polar, at codon 287 of the CACNA1D protein (p.Ile287Thr). This variant is not present in population databases (gnomAD no frequency). This variant has not been reported in the literature in individuals affected with CACNA1D-related conditions. Invitae Evidence Modeling of protein sequence and biophysical properties (such as structural, functional, and spatial information, amino acid conservation, physicochemical variation, residue mobility, and thermodynamic stability) indicates that this missense variant is not expected to disrupt CACNA1D protein function with a negative predictive value of 80%. In summary, the available evidence is currently insufficient to determine the role of this variant in disease. Therefore, it has been classified as a Variant of Uncertain Significance.

NM_001128840.3(CACNA1D):c.860T>C (p.Ile287Thr)

Gene: CACNA1D (calcium voltage-gated channel subunit alpha1 D; plus strand). Cytogenetic location: 3p21.1.
Variant type: single nucleotide variant.
Coding change: c.860T>C on transcript NM_001128840.3 (MANE Select); coding-DNA position 860, T replaced by C.
Protein change: p.Ile287Thr; replaces isoleucine 287 with threonine.
Molecular consequence: missense variant.
Genome position (GRCh38, 1-based): chr3:53,665,753, T>C. VCF-style: chr3-53665753-T-C. GRCh37 (hg19) VCF-style: chr3-53699780-T-C.
Other names: c.860T>C, p.Ile287Thr (NM_000720.4, NM_001128839.3); short protein forms I287T.
Identifiers: ClinVar variation 4760248 (VCV004760248.1).